The following is an entry in ClinVar:

NM_001372106.1(DNAH10):c.1286T>C (p.Met429Thr)

Gene: DNAH10 (dynein axonemal heavy chain 10; plus strand). Cytogenetic location: 12q24.31.
Variant type: single nucleotide variant.
Coding change: c.1286T>C on transcript NM_001372106.1 (MANE Select); coding-DNA position 1286, T replaced by C.
Protein change: p.Met429Thr; replaces methionine 429 with threonine.
Molecular consequence: missense variant.
Genome position (GRCh38, 1-based): chr12:123,785,801, T>C. VCF-style: chr12-123785801-T-C. GRCh37 (hg19) VCF-style: chr12-124270348-T-C.
Other names: c.1103T>C, p.Met368Thr (NM_001083900.1, NM_207437.3); short protein forms M429T, M368T.
Identifiers: ClinVar variation 2256382 (VCV002256382.4), dbSNP rs147774367, ClinGen allele CA6862699.

ClinVar aggregate classification (germline): Uncertain significance. Review status: criteria provided, single submitter (1 of 4 stars). 2 submissions from 2 submitters: Uncertain significance (1). 1 of the submissions does not count toward it. Last evaluated 2021-08-04.

Conditions:
DNAH10-related disorder. Also called: DNAH10-related condition.

Allele frequency attached by ClinVar (database versions not stated): 1000 Genomes Project 0.00040; 1000 Genomes Project 30x 0.00062; ExAC 0.00130; TOPMed 0.00135; gnomAD 0.00173; gnomAD exomes 0.00252; ESP Exome Variant Server 0.00269.
gnomAD v4.1: 3,918 of 1,614,166 alleles (0.24%); highest among the groups gnomAD compares: Non-Finnish European, 0.31%; 8 homozygotes.

Submissions (2):

Ambry Genetics
Classification: Uncertain significance. Last evaluated: 2021-08-04. Review status: criteria provided, single submitter. Criteria: Ambry Variant Classification Scheme 2023. Collection method: clinical testing. Allele origin: germline.

PreventionGenetics, part of Exact Sciences
Classification: Likely benign for DNAH10-related condition. Last evaluated: 2021-03-15. Review status: no assertion criteria provided. Collection method: clinical testing. Allele origin: germline. Not counted in ClinVar's aggregate classification.
Comment: This variant is classified as likely benign based on ACMG/AMP sequence variant interpretation guidelines (Richards et al. 2015 PMID: 25741868, with internal and published modifications).